The following is an entry in ClinVar:

NM_014319.5(LEMD3):c.2611_2612del (p.Tyr871fs)

Gene: LEMD3 (LEM domain containing 3; plus strand). Cytogenetic location: 12q14.3.
Variant type: Deletion.
Coding change: c.2611_2612del on transcript NM_014319.5 (MANE Select); coding-DNA positions 2611 to 2612, 2 bases deleted (TA; older notation c.2611_2612delTA).
Protein change: p.Tyr871fs; shifts the reading frame from tyrosine 871.
Molecular consequence: frameshift variant.
Genome position (GRCh38, 1-based): chr12:65,246,200-65,246,201, TA deleted; deleting any 2 consecutive bases within chr12:65,246,199-65,246,201 gives the same sequence; the c. name uses the placement nearest the transcript's 3' end. VCF-style (leftmost placement, unchanged base first): chr12-65246198-GAT-G. GRCh37 (hg19) VCF-style: chr12-65639978-GAT-G.
Other names: c.2608_2609del, p.Tyr870fs (NM_001167614.2); short protein forms Y870fs, Y871fs.
Identifiers: ClinVar variation 4686652 (VCV004686652.1).
Genomic context (GRCh38, chr12:65,246,198, plus strand): 5'-AATATTATTTTTATCTTACAACAGGGAAATTGGTTACAGTAAAATATTTACGACTAGATA[GAT>G]ACCACCATCGCTTTCCCCAGGCTCTCACTTCCAACACTCCATTGAAGCCATCAAATAAAC-3'

ClinVar aggregate classification (germline): Likely pathogenic (1 of 4 stars; one submission).

Conditions:
Multiple monogenic benign skin tumours.

Submission:

Genetics Laboratory, Great Ormond Street Hospital NHS Foundation Trust, North Thames Genomic Laboratory Hub
Classification: Likely pathogenic for Multiple monogenic benign skin tumours. Last evaluated: 2025-11-25. Review status: criteria provided, single submitter. Criteria: ACGS Best Practice Guidelines for Variant Classification in Rare Disease 2024 v1.2. Collection method: clinical testing. Allele origin: germline. Affected: yes.
Comment: PM2_moderate, PVS1_moderate, PP4_moderate